The following is an entry in ClinVar:

NM_001046.3(SLC12A2):c.2185G>A (p.Val729Ile)

Gene: SLC12A2 (solute carrier family 12 member 2; plus strand). Cytogenetic location: 5q23.3.
Variant type: single nucleotide variant.
Coding change: c.2185G>A on transcript NM_001046.3 (MANE Select); coding-DNA position 2185, G replaced by A.
Protein change: p.Val729Ile; replaces valine 729 with isoleucine.
Molecular consequence: missense variant. On other transcripts: non-coding transcript variant (1).
Genome position (GRCh38, 1-based): chr5:128,151,318, G>A. VCF-style: chr5-128151318-G-A. GRCh37 (hg19) VCF-style: chr5-127487010-G-A.
Other names: c.2185G>A (NM_001046.2); c.2185G>A, p.Val729Ile (NM_001256461.2); short protein forms V729I.
Identifiers: ClinVar variation 2037450 (VCV002037450.19), dbSNP rs575733487, ClinGen allele CA126985752.

ClinVar aggregate classification (germline): Uncertain significance. Review status: criteria provided, multiple submitters, no conflicts (2 of 4 stars). 4 submissions from 4 submitters: Uncertain significance (4). Last evaluated 2026-07-01.

Conditions:
Inborn genetic diseases. Identifiers: MedGen C0950123, MeSH D030342.
SLC12A2-related disorder. Also called: SLC12A2-related condition; SLC12A2-related disorders.

Allele frequency attached by ClinVar (database versions not stated): TOPMed 0.00003; gnomAD 0.00005; gnomAD exomes 0.00006; 1000 Genomes Project 30x 0.00016; 1000 Genomes Project 0.00020.
gnomAD v4.1: 90 of 1,612,542 alleles (0.0056%); highest among the groups gnomAD compares: African/African-American, 0.013%; no homozygotes.

Submissions (4):

PreventionGenetics, part of Exact Sciences
Classification: Uncertain significance for SLC12A2-related condition. Last evaluated: 2026-07-01. Review status: criteria provided, single submitter. Criteria: ACMG Guidelines, 2015. Collection method: clinical testing. Allele origin: germline.
Comment: The SLC12A2 c.2185G>A variant is predicted to result in the amino acid substitution p.Val729Ile. To our knowledge, this variant has not been reported in the literature. This variant is reported in 0.0062% of alleles in individuals of African descent in gnomAD. At this time, the clinical significance of this variant is uncertain due to the absence of conclusive functional and genetic evidence.

Labcorp Genetics (formerly Invitae), Labcorp
Classification: Uncertain significance. Last evaluated: 2025-04-21. Review status: criteria provided, single submitter. Criteria: Invitae Variant Classification Sherloc (09022015). Collection method: clinical testing. Allele origin: germline.
Comment: This sequence change replaces valine, which is neutral and non-polar, with isoleucine, which is neutral and non-polar, at codon 729 of the SLC12A2 protein (p.Val729Ile). This variant is present in population databases (rs575733487, gnomAD 0.007%). This variant has not been reported in the literature in individuals affected with SLC12A2-related conditions. ClinVar contains an entry for this variant (Variation ID: 2037450). Invitae Evidence Modeling of protein sequence and biophysical properties (such as structural, functional, and spatial information, amino acid conservation, physicochemical variation, residue mobility, and thermodynamic stability) indicates that this missense variant is not expected to disrupt SLC12A2 protein function with a negative predictive value of 80%. In summary, the available evidence is currently insufficient to determine the role of this variant in disease. Therefore, it has been classified as a Variant of Uncertain Significance.

CeGaT Center for Human Genetics Tuebingen
Classification: Uncertain significance. Last evaluated: 2025-01-01. Review status: criteria provided, single submitter. Criteria: CeGaT Center For Human Genetics Tuebingen Variant Classification Criteria Version 2. Collection method: clinical testing. Allele origin: germline. Affected: yes. Observed: 1 variant allele.
Comment: SLC12A2: PM2

Ambry Genetics
Classification: Uncertain significance for Inborn genetic diseases. Last evaluated: 2024-06-30. Review status: criteria provided, single submitter. Criteria: Ambry Variant Classification Scheme 2023. Collection method: clinical testing. Allele origin: germline.